The following is an entry in ClinVar:

ClinVar aggregate classification (germline): Uncertain significance. Review status: criteria provided, multiple submitters, no conflicts (2 of 4 stars). 3 submissions from 3 submitters: Uncertain significance (3). Last evaluated 2024-10-11.

Conditions:
Inborn genetic diseases. Identifiers: MedGen C0950123, MeSH D030342.
Brachydactyly type B1 (BDB1). Identifiers: Orphanet 572385, Orphanet 93383, MedGen C1862112, MONDO:0007220, OMIM 113000.
Autosomal recessive Robinow syndrome (RRS1). Also called: ROR2-Related Robinow Syndrome; ROBINOW SYNDROME, AUTOSOMAL RECESSIVE 1; COSTOVERTEBRAL SEGMENTATION DEFECT WITH MESOMELIA; COVESDEM SYNDROME. Identifiers: Orphanet 1507, Orphanet 97360, MedGen C5399974, MONDO:0009999, OMIM 268310.

Allele frequency attached by ClinVar (database versions not stated): gnomAD exomes 0.00001; ExAC 0.00002; TOPMed 0.00002; gnomAD 0.00003.
gnomAD v4.1: 24 of 1,612,440 alleles (0.0015%); highest among the groups gnomAD compares: Admixed American, 0.015%; no homozygotes.

Submissions (3):

Ambry Genetics
Classification: Uncertain significance for Inborn genetic diseases. Last evaluated: 2024-10-11. Review status: criteria provided, single submitter. Criteria: Ambry Variant Classification Scheme 2023. Collection method: clinical testing. Allele origin: germline.

Labcorp Genetics (formerly Invitae), Labcorp
Classification: Uncertain significance. Last evaluated: 2024-04-29. Review status: criteria provided, single submitter. Criteria: Invitae Variant Classification Sherloc (09022015). Collection method: clinical testing. Allele origin: germline.
Comment: This sequence change replaces arginine, which is basic and polar, with tryptophan, which is neutral and slightly polar, at codon 522 of the ROR2 protein (p.Arg522Trp). This variant is present in population databases (rs748786708, gnomAD 0.006%). This variant has not been reported in the literature in individuals affected with ROR2-related conditions. ClinVar contains an entry for this variant (Variation ID: 1416133). Advanced modeling of protein sequence and biophysical properties (such as structural, functional, and spatial information, amino acid conservation, physicochemical variation, residue mobility, and thermodynamic stability) performed at Invitae indicates that this missense variant is not expected to disrupt ROR2 protein function with a negative predictive value of 80%. In summary, the available evidence is currently insufficient to determine the role of this variant in disease. Therefore, it has been classified as a Variant of Uncertain Significance.

Fulgent Genetics
Classification: Uncertain significance for Brachydactyly type B1; Autosomal recessive Robinow syndrome. Last evaluated: 2024-03-27. Review status: criteria provided, single submitter. Criteria: ACMG Guidelines, 2015. Collection method: clinical testing. Allele origin: germline.

NM_004560.4(ROR2):c.1564C>T (p.Arg522Trp)

Gene: ROR2 (receptor tyrosine kinase like orphan receptor 2; minus strand). Cytogenetic location: 9q22.31.
Variant type: single nucleotide variant.
Coding change: c.1564C>T on transcript NM_004560.4 (MANE Select); coding-DNA position 1564, C replaced by T.
Protein change: p.Arg522Trp; replaces arginine 522 with tryptophan.
Molecular consequence: missense variant.
Genome position (GRCh38, 1-based): chr9:91,724,930, G>A on the plus strand (C>T on the coding strand, the complement: ROR2 is on the minus strand). VCF-style: chr9-91724930-G-A. GRCh37 (hg19) VCF-style: chr9-94487212-G-A.
Other names: c.1564C>T (NM_004560.3); short protein forms R522W.
Identifiers: ClinVar variation 1416133 (VCV001416133.8), dbSNP rs748786708, ClinGen allele CA5120653.